The following is an entry in ClinVar:

ClinVar aggregate classification (germline): Conflicting classifications of pathogenicity. Review status: criteria provided, conflicting classifications (1 of 4 stars). 3 submissions from 3 submitters: Uncertain significance (1); Likely benign (1). 1 of the submissions does not count toward it. Last evaluated 2025-10-29.

Conditions:
FASN-related disorder. Also called: FASN-related condition.
Epileptic encephalopathy. Identifiers: MedGen C0543888, HP:0200134.

Allele frequency attached by ClinVar (database versions not stated): 1000 Genomes Project 30x 0.00016; 1000 Genomes Project 0.00020; TOPMed 0.00025; gnomAD 0.00022; ESP Exome Variant Server 0.00023.

Submissions (3):

Labcorp Genetics (formerly Invitae), Labcorp
Classification: Likely benign for Epileptic encephalopathy. Last evaluated: 2025-10-29. Review status: criteria provided, single submitter. Criteria: Invitae Variant Classification Sherloc (09022015). Collection method: clinical testing. Allele origin: germline.

Ambry Genetics
Classification: Uncertain significance. Last evaluated: 2023-12-07. Review status: criteria provided, single submitter. Criteria: Ambry Variant Classification Scheme 2023. Collection method: clinical testing. Allele origin: germline.

PreventionGenetics, part of Exact Sciences
Classification: Likely benign for FASN-related condition. Last evaluated: 2020-12-16. Review status: no assertion criteria provided. Collection method: clinical testing. Allele origin: germline. Not counted in ClinVar's aggregate classification.
Comment: This variant is classified as likely benign based on ACMG/AMP sequence variant interpretation guidelines (Richards et al. 2015 PMID: 25741868, with internal and published modifications).

NM_004104.5(FASN):c.6146G>A (p.Arg2049Gln)

Gene: FASN (fatty acid synthase; minus strand). Cytogenetic location: 17q25.3.
Variant type: single nucleotide variant.
Coding change: c.6146G>A on transcript NM_004104.5 (MANE Select); coding-DNA position 6146, G replaced by A.
Protein change: p.Arg2049Gln; replaces arginine 2049 with glutamine.
Molecular consequence: missense variant.
Genome position (GRCh38, 1-based): chr17:82,082,026, C>T on the plus strand (G>A on the coding strand, the complement: FASN is on the minus strand). VCF-style: chr17-82082026-C-T. GRCh37 (hg19) VCF-style: chr17-80039902-C-T.
Other names: short protein forms R2049Q.
Identifiers: ClinVar variation 766847 (VCV000766847.13), dbSNP rs373838349, ClinGen allele CA8851422.
Genomic context (GRCh38, chr17:82,082,026, plus strand): 5'-GAGGGCAGGGTGGGCAGGGTCGAGGGGAGAGGGTGGGGCCCACCTGGGAGGCCTTCGTGC[C>T]GGCGTTTCTCACAGATACGCTCCATGGCGGAATTGGCAAAGCCGTAGTTGCTCTGTCCCG-3'
Protein context (NP_004095.4, residues 2039-2059): SAMERICEKR[Arg2049Gln]HEGLPGLAVQ